The following is an entry in ClinVar:

ClinVar aggregate classification (germline): Uncertain significance (1 of 4 stars; one submission).

Conditions:
Hereditary cancer-predisposing syndrome. Also called: Neoplastic Syndromes, Hereditary; Tumor predisposition; Hereditary neoplastic syndrome; Hereditary Cancer Syndrome. Identifiers: Orphanet 140162, MedGen C0027672, MeSH D009386, MONDO:0015356.
Familial thoracic aortic aneurysm and aortic dissection (TAAD). Also called: Thoracic aortic aneurysms and dissections. Identifiers: Orphanet 91387, MedGen C4707243, MONDO:0019625.

Submission:

Ambry Genetics
Classification: Uncertain significance for Hereditary cancer-predisposing syndrome; Familial thoracic aortic aneurysm and aortic dissection. Last evaluated: 2023-12-08. Review status: criteria provided, single submitter. Criteria: Ambry Variant Classification Scheme 2023. Collection method: clinical testing. Allele origin: germline.
Comment: The p.A190T variant (also known as c.568G>A), located in coding exon 4 of the SMAD4 gene, results from a G to A substitution at nucleotide position 568. The alanine at codon 190 is replaced by threonine, an amino acid with similar properties. This amino acid position is well conserved in available vertebrate species; however, threonine is the reference amino acid in other vertebrate species. In addition, this alteration is predicted to be tolerated by in silico analysis. Since supporting evidence is limited at this time, the clinical significance of this alteration remains unclear.

NM_005359.6(SMAD4):c.568G>A (p.Ala190Thr)

Gene: SMAD4 (SMAD family member 4; plus strand). Cytogenetic location: 18q21.2.
Variant type: single nucleotide variant.
Coding change: c.568G>A on transcript NM_005359.6 (MANE Select); coding-DNA position 568, G replaced by A.
Protein change: p.Ala190Thr; replaces alanine 190 with threonine.
Molecular consequence: missense variant. On other transcripts: non-coding transcript variant (2).
Genome position (GRCh38, 1-based): chr18:51,054,894, G>A. VCF-style: chr18-51054894-G-A. GRCh37 (hg19) VCF-style: chr18-48581264-G-A.
Other names: c.568G>A, p.Ala190Thr (NM_001407041.1, NM_001407042.1, NM_001407043.1); short protein forms A190T.
Identifiers: ClinVar variation 3238420 (VCV003238420.1), dbSNP rs61751988.
Genomic context (GRCh38, chr18:51,054,894, plus strand): 5'-CCATCGTTGTCCACTGAAGGACATTCAATTCAAACCATCCAGCATCCACCAAGTAATCGT[G>A]CATCGACAGAGACATACAGCACCCCAGCTCTGTTAGCCCCATCTGAGTCTAATGCTACCA-3'
Protein context (NP_005350.1, residues 180-200): QTIQHPPSNR[Ala190Thr]STETYSTPAL